The following is an entry in ClinVar:

ClinVar aggregate classification (germline): Uncertain significance (1 of 4 stars; one submission).

Allele frequency attached by ClinVar (database versions not stated): gnomAD 0.00001; ExAC 0.00002; TOPMed 0.00002.
gnomAD v4.1: 1 of 1,613,946 alleles (0.000062%); highest among the groups gnomAD compares: African/African-American, 0.0013%; no homozygotes.

Submission:

Mayo Clinic Laboratories, Mayo Clinic
Classification: Uncertain significance. Last evaluated: 2022-02-25. Review status: criteria provided, single submitter. Criteria: ACMG Guidelines, 2015. Collection method: clinical testing. Allele origin: germline. Observed: 1 variant allele.
Comment: BP4

NM_002087.4(GRN):c.1015C>G (p.Pro339Ala)

Gene: GRN (granulin precursor; plus strand). Cytogenetic location: 17q21.31.
Variant type: single nucleotide variant.
Coding change: c.1015C>G on transcript NM_002087.4 (MANE Select); coding-DNA position 1015, C replaced by G.
Protein change: p.Pro339Ala; replaces proline 339 with alanine.
Molecular consequence: missense variant.
Genome position (GRCh38, 1-based): chr17:44,351,631, C>G. VCF-style: chr17-44351631-C-G. GRCh37 (hg19) VCF-style: chr17-42428999-C-G.
Other names: p.Pro339Ala; short protein forms P339A.
Identifiers: ClinVar variation 2683429 (VCV002683429.1), dbSNP rs769849283, ClinGen allele CA8602085.